The following is an entry in ClinVar:

ClinVar aggregate classification (germline): Uncertain significance (1 of 4 stars; one submission).

Conditions:
Mosaic variegated aneuploidy syndrome 1 (MVA1). Also called: Warburton-Anyane-Yeboa syndrome. Identifiers: Orphanet 1052, MedGen C1850343, MONDO:0009759, OMIM 257300.

Submission:

Labcorp Genetics (formerly Invitae), Labcorp
Classification: Uncertain significance for Mosaic variegated aneuploidy syndrome 1. Last evaluated: 2023-12-07. Review status: criteria provided, single submitter. Criteria: Invitae Variant Classification Sherloc (09022015). Collection method: clinical testing. Allele origin: germline.
Comment: This sequence change replaces lysine, which is basic and polar, with asparagine, which is neutral and polar, at codon 795 of the BUB1B protein (p.Lys795Asn). This variant also falls at the last nucleotide of exon 18, which is part of the consensus splice site for this exon. This variant is not present in population databases (gnomAD no frequency). This variant has not been reported in the literature in individuals affected with BUB1B-related conditions. ClinVar contains an entry for this variant (Variation ID: 1519474). An algorithm developed to predict the effect of missense changes on protein structure and function (PolyPhen-2) suggests that this variant is likely to be disruptive. Variants that disrupt the consensus splice site are a relatively common cause of aberrant splicing (PMID: 17576681, 9536098). Algorithms developed to predict the effect of sequence changes on RNA splicing suggest that this variant may disrupt the consensus splice site. In summary, the available evidence is currently insufficient to determine the role of this variant in disease. Therefore, it has been classified as a Variant of Uncertain Significance.

Literature cited by the submitters: PubMed 17576681; PubMed 9536098.

NM_001211.6(BUB1B):c.2385G>C (p.Lys795Asn)

Gene: BUB1B (BUB1 mitotic checkpoint serine/threonine kinase B; plus strand). Cytogenetic location: 15q15.1.
Variant type: single nucleotide variant.
Coding change: c.2385G>C on transcript NM_001211.6 (MANE Select); coding-DNA position 2385, G replaced by C.
Protein change: p.Lys795Asn; replaces lysine 795 with asparagine.
Molecular consequence: missense variant.
Genome position (GRCh38, 1-based): chr15:40,210,210, G>C. VCF-style: chr15-40210210-G-C. GRCh37 (hg19) VCF-style: chr15-40502411-G-C.
Other names: short protein forms K795N.
Identifiers: ClinVar variation 1519474 (VCV001519474.6), dbSNP rs1427050449, ClinGen allele CA391695081.
Genomic context (GRCh38, chr15:40,210,210, plus strand): 5'-TGAAGATTACAAGTTATTCTGGGTGGCGCCAAGAAACTCTGCAGAATTAACAGTAATAAA[G>C]GTGGGACTGATTCTTTATAATTTCAGTTACTTTGTAAATAATACGGATTGGAGCAATAAC-3'
Protein context (NP_001202.5, residues 785-805): PRNSAELTVI[Lys795Asn]VSSQPVPWDF